The following is an entry in ClinVar:

NM_001042492.3(NF1):c.2297T>C (p.Ile766Thr)

Gene: NF1 (neurofibromin 1; plus strand). Cytogenetic location: 17q11.2.
Variant type: single nucleotide variant.
Coding change: c.2297T>C on transcript NM_001042492.3 (MANE Select); coding-DNA position 2297, T replaced by C.
Protein change: p.Ile766Thr; replaces isoleucine 766 with threonine.
Molecular consequence: missense variant.
Genome position (GRCh38, 1-based): chr17:31,227,263, T>C. VCF-style: chr17-31227263-T-C. GRCh37 (hg19) VCF-style: chr17-29554281-T-C.
Other names: c.2297T>C, p.Ile766Thr (NM_000267.4); short protein forms I766T.
Identifiers: ClinVar variation 2987242 (VCV002987242.3), dbSNP rs863224657, ClinGen allele CA398982832.

ClinVar aggregate classification (germline): Uncertain significance. Review status: criteria provided, multiple submitters, no conflicts (2 of 4 stars). 3 submissions from 3 submitters: Uncertain significance (3). Last evaluated 2025-09-17.

Conditions:
Neurofibromatosis, type 1 (NF1). Also called: NEUROFIBROMATOSIS, TYPE I, SOMATIC; Neurofibromatosis, type I; Peripheral type neurofibromatosis; VON RECKLINGHAUSEN DISEASE. Identifiers: Orphanet 636, MedGen C0027831, MONDO:0018975, OMIM 162200. Disease mechanism: loss of function.
Cardiovascular phenotype. Identifiers: MedGen CN230736.
Hereditary cancer-predisposing syndrome. Also called: Hereditary Cancer Syndrome; Hereditary neoplastic syndrome; Neoplastic Syndromes, Hereditary; Tumor predisposition. Identifiers: Orphanet 140162, MedGen C0027672, MeSH D009386, MONDO:0015356.

Allele frequency attached by ClinVar (database versions not stated): gnomAD exomes below 0.00001; TOPMed below 0.00001; gnomAD 0.00001.
gnomAD v4.1: 3 of 1,613,586 alleles (0.00019%); highest among the groups gnomAD compares: Non-Finnish European, 0.00025%; no homozygotes.

Submissions (3):

Ambry Genetics
Classification: Uncertain significance for Cardiovascular phenotype; Hereditary cancer-predisposing syndrome. Last evaluated: 2025-09-17. Review status: criteria provided, single submitter. Criteria: Ambry Variant Classification Scheme 2023. Collection method: clinical testing. Allele origin: germline.
Comment: The p.I766T variant (also known as c.2297T>C), located in coding exon 19 of the NF1 gene, results from a T to C substitution at nucleotide position 2297. The isoleucine at codon 766 is replaced by threonine, an amino acid with similar properties. This amino acid position is highly conserved in available vertebrate species. In addition, this alteration is predicted to be deleterious by in silico analysis. Based on the available evidence, the clinical significance of this variant remains unclear.

GeneDx
Classification: Uncertain significance. Last evaluated: 2024-07-17. Review status: criteria provided, single submitter. Criteria: GeneDx Variant Classification Process June 2021. Collection method: clinical testing. Allele origin: germline. Affected: yes.
Comment: In silico analysis supports that this missense variant has a deleterious effect on protein structure/function; Has not been previously published as pathogenic or benign to our knowledge; This variant is associated with the following publications: (PMID: 25486365)

Labcorp Genetics (formerly Invitae), Labcorp
Classification: Uncertain significance for Neurofibromatosis, type 1. Last evaluated: 2023-11-28. Review status: criteria provided, single submitter. Criteria: Invitae Variant Classification Sherloc (09022015). Collection method: clinical testing. Allele origin: germline.
Comment: This sequence change replaces isoleucine, which is neutral and non-polar, with threonine, which is neutral and polar, at codon 766 of the NF1 protein (p.Ile766Thr). This variant is not present in population databases (gnomAD no frequency). This variant has not been reported in the literature in individuals affected with NF1-related conditions. Advanced modeling of protein sequence and biophysical properties (such as structural, functional, and spatial information, amino acid conservation, physicochemical variation, residue mobility, and thermodynamic stability) performed at Invitae indicates that this missense variant is expected to disrupt NF1 protein function with a positive predictive value of 95%. In summary, the available evidence is currently insufficient to determine the role of this variant in disease. Therefore, it has been classified as a Variant of Uncertain Significance.